The following is an entry in ClinVar:

ClinVar aggregate classification (germline): Conflicting classifications of pathogenicity. Review status: criteria provided, conflicting classifications (1 of 4 stars). 11 submissions from 10 submitters: Uncertain significance (7); Likely benign (3). 1 of the submissions does not count toward it. Last evaluated 2026-01-27.

Conditions:
PALB2-related disorder. Also called: PALB2-related condition; PALB2-related disorders.
Breast-ovarian cancer, familial, susceptibility to, 5 (BROVCA5). Identifiers: MedGen C5830615, MONDO:0957530, OMIM 620442.
Diffuse midline glioma, H3 K27-altered. Identifiers: MedGen C5669877, MONDO:1060171.
Hereditary cancer-predisposing syndrome. Also called: Neoplastic Syndromes, Hereditary; Tumor predisposition; Hereditary Cancer Syndrome; Hereditary neoplastic syndrome. Identifiers: Orphanet 140162, MedGen C0027672, MeSH D009386, MONDO:0015356.
Familial cancer of breast. Also called: BREAST CANCER, FAMILIAL; Hereditary breast cancer; hereditary breast carcinoma. Identifiers: Orphanet 227535, MedGen C0346153, MONDO:0016419, OMIM 114480. Disease mechanism: loss of function.
Malignant tumor of breast. Also called: Malignant breast neoplasm; Cancer breast. Identifiers: MedGen C0006142, MONDO:0007254. Disease mechanism: loss of function.

Allele frequency attached by ClinVar (database versions not stated): ExAC 0.00001; gnomAD exomes 0.00002; gnomAD 0.00003; TOPMed 0.00003; ESP Exome Variant Server 0.00008.
gnomAD v4.1: 35 of 1,614,184 alleles (0.0022%); highest among the groups gnomAD compares: East Asian, 0.0045%; no homozygotes.

Submissions (11):

Labcorp Genetics (formerly Invitae), Labcorp
Classification: Uncertain significance for Familial cancer of breast. Last evaluated: 2026-01-27. Review status: criteria provided, single submitter. Criteria: Invitae Variant Classification Sherloc (09022015). Collection method: clinical testing. Allele origin: germline.
Comment: This sequence change replaces alanine, which is neutral and non-polar, with threonine, which is neutral and polar, at codon 915 of the PALB2 protein (p.Ala915Thr). This variant is present in population databases (rs374736398, gnomAD 0.006%). This variant has not been reported in the literature in individuals affected with PALB2-related conditions. ClinVar contains an entry for this variant (Variation ID: 141109). Invitae Evidence Modeling of protein sequence and biophysical properties (such as structural, functional, and spatial information, amino acid conservation, physicochemical variation, residue mobility, and thermodynamic stability) indicates that this missense variant is not expected to disrupt PALB2 protein function with a negative predictive value of 80%. In summary, the available evidence is currently insufficient to determine the role of this variant in disease. Therefore, it has been classified as a Variant of Uncertain Significance.

St. Jude Molecular Pathology, St. Jude Children's Research Hospital
Classification: Uncertain significance for Breast-ovarian cancer, familial, susceptibility to, 5. Last evaluated: 2025-06-17. Review status: criteria provided, single submitter. Criteria: St. Jude Assertion Criteria 2020. Collection method: clinical testing. Allele origin: germline.
Comment: The PALB2 c.2743G>A p.(Ala915Thr) missense change has a maximum subpopulation frequency of 0.005% in gnomAD v2.1.1. The in silico tool REVEL predicts a benign effect on protein function, but to our knowledge this prediction has not been confirmed by functional studies. To our knowledge, this variant has not been reported as pathogenic in individuals with PALB2- associated conditions. In summary, the evidence currently available is insufficient to determine the clinical significance of this variant. It has therefore been classified as of uncertain significance.

St. Jude Molecular Pathology, St. Jude Children's Research Hospital
Classification: Uncertain significance for Familial cancer of breast. Last evaluated: 2025-06-17. Review status: criteria provided, single submitter. Criteria: St. Jude Assertion Criteria 2020. Collection method: clinical testing. Allele origin: germline.
Comment: the same text as in the submission from St. Jude Molecular Pathology, St. Jude Children's Research Hospital above.

Myriad Genetics, Inc.
Classification: Likely benign for Familial cancer of breast. Last evaluated: 2025-01-17. Review status: criteria provided, single submitter. Criteria: Myriad Autosomal Dominant, Autosomal Recessive and X-Linked Classification Criteria (2023). Collection method: clinical testing. Allele origin: unknown.
Comment: This variant is considered likely benign. This variant is strongly associated with less severe personal and family histories of cancer, typical for individuals without pathogenic variants in this gene [PMID: 25085752].

GeneDx
Classification: Uncertain significance. Last evaluated: 2023-08-21. Review status: criteria provided, single submitter. Criteria: GeneDx Variant Classification Process June 2021. Collection method: clinical testing. Allele origin: germline. Affected: yes.
Comment: Not observed at significant frequency in large population cohorts (gnomAD); In silico analysis supports that this missense variant does not alter protein structure/function; Observed in an individual with colorectal cancer and in both cases and controls in a breast cancer study (Yurgelun et al., 2017; Dorling et al., 2021); This variant is associated with the following publications: (PMID: 33471991, 24485656, 19609323, 20871615, 28135145)

Laboratory of Medical Genetics Unit, Bambino Gesù Children's Hospital
Classification: Uncertain significance for Diffuse midline glioma, H3 K27-altered. Last evaluated: 2022-04-28. Review status: criteria provided, single submitter. Criteria: ACMG Guidelines, 2015. Collection method: research. Allele origin: maternal. Affected: yes. Observed: 1 heterozygote.

Sema4
Classification: Uncertain significance for Hereditary cancer-predisposing syndrome. Last evaluated: 2021-10-09. Review status: criteria provided, single submitter. Criteria: Sema4 Curation Guidelines. Collection method: curation. Allele origin: germline.
Comment: The PALB2 c.2743G>A (p.A915T) variant has been reported in heterozygosity in one individual with breast cancer and one individual with colorectal cancer, as well as an unaffected control (PMID: 33471991, 28135145). This variant was observed in 1/19952 chromosomes in the East Asian population according to the Genome Aggregation Database (PMID: 32461654). This variant has been reported in ClinVar (Variation ID: 141109). In silico tools suggest the impact of the variant on protein function is benign, though these predictions have not been confirmed by functional studies. There is no indication that this variant causes disease, but the evidence is insufficient currently to prove that conclusively. Thus, the clinical significance of this variant is currently uncertain.

Quest Diagnostics Nichols Institute San Juan Capistrano
Classification: Uncertain significance. Last evaluated: 2021-03-19. Review status: criteria provided, single submitter. Criteria: Quest Diagnostics criteria. Collection method: clinical testing. Allele origin: unknown.

Ambry Genetics
Classification: Likely benign for Hereditary cancer-predisposing syndrome. Last evaluated: 2018-12-29. Review status: criteria provided, single submitter. Criteria: Ambry Variant Classification Scheme 2023. Collection method: clinical testing. Allele origin: germline.

Color Diagnostics, LLC DBA Color Health
Classification: Likely benign for Hereditary cancer-predisposing syndrome. Last evaluated: 2015-12-10. Review status: criteria provided, single submitter. Criteria: ACMG Guidelines, 2015. Collection method: clinical testing. Allele origin: germline.

Department of Pathology and Laboratory Medicine, Sinai Health System
Classification: Uncertain significance for Malignant tumor of breast. Review status: no assertion criteria provided. Collection method: clinical testing. Allele origin: unknown. Affected: yes. Study: The Canadian Open Genetics Repository (COGR). Not counted in ClinVar's aggregate classification.
Comment: PALB2, EXON07, c.2743G>A, p.Ala915Thr, Heterozygous, Uncertain Significance The PALB2 p.Ala915Thr variant was not identified in the literature nor was it identified in the Cosmic, MutDB, LOVD 3.0, Zhejiang Colon Cancer Database, databases. The variant was identified in dbSNP (ID: rs374736398) as With Uncertain significance allele, ClinVar (classified as likely benign by Ambry Genetics; classified as uncertain significance by Invitae, GeneDx), Clinvitae (conflicting interpretations of pathogenicity), databases. The variant was identified in control databases in 6 of 246250 chromosomes at a frequency of 0.000024 increasing the likelihood that this may be a low frequency benign variant in certain populations of origin (Genome Aggregation Consortium Feb 27, 2017). The p.Ala915 residue is not conserved in mammals and computational analyses (PolyPhen-2, SIFT, AlignGVGD, BLOSUM, MutationTaster) do not suggest a high likelihood of impact to the protein; however, this information is not predictive enough to rule out pathogenicity. The variant occurs outside of the splicing consensus sequence and 1 of 5 in silico or computational prediction software programs (SpliceSiteFinder, MaxEntScan, NNSPLICE, GeneSplicer, HumanSpliceFinder) predict a greater than 10% difference in splicing; this is not very predictive of pathogenicity. The variant is located with the WD40-repeat-containing domain functional domain increasing the likelihood that it may have clinical significance. In summary, based on the above information, the clinical significance of this variant cannot be determined with certainty at this time. This variant is classified as a variant of uncertain significance.

Literature cited by the submitters: PubMed 25085752 (cited by Myriad Genetics, Inc.); PubMed 33471991 (cited by Sema4); PubMed 28135145 (cited by Sema4 and Quest Diagnostics Nichols Institute San Juan Capistrano).

NM_024675.4(PALB2):c.2743G>A (p.Ala915Thr)

Gene: PALB2 (partner and localizer of BRCA2; minus strand). Cytogenetic location: 16p12.2.
Variant type: single nucleotide variant.
Coding change: c.2743G>A on transcript NM_024675.4 (MANE Select); coding-DNA position 2743, G replaced by A.
Protein change: p.Ala915Thr; replaces alanine 915 with threonine.
Molecular consequence: missense variant.
Genome position (GRCh38, 1-based): chr16:23,626,241, C>T on the plus strand (G>A on the coding strand, the complement: PALB2 is on the minus strand). VCF-style: chr16-23626241-C-T. GRCh37 (hg19) VCF-style: chr16-23637562-C-T.
Other names: short protein forms A915T.
Identifiers: ClinVar variation 141109 (VCV000141109.28), dbSNP rs374736398, ClinGen allele CA164485.